The following is an entry in ClinVar:

NM_014000.3(VCL):c.783+1G>A

Gene: VCL (vinculin; plus strand). Cytogenetic location: 10q22.2.
Variant type: single nucleotide variant.
Coding change: c.783+1G>A on transcript NM_014000.3 (MANE Select); the canonical splice donor site of the intron after coding-DNA position 783, G replaced by A.
Molecular consequence: splice donor variant.
Genome position (GRCh38, 1-based): chr10:74,074,904, G>A. VCF-style: chr10-74074904-G-A. GRCh37 (hg19) VCF-style: chr10-75834662-G-A.
Other names: c.783+1G>A (NM_003373.4).
Identifiers: ClinVar variation 945548 (VCV000945548.1), dbSNP rs1839558172, ClinGen allele CA377268676.
Genomic context (GRCh38, chr10:74,074,904, plus strand): 5'-AATGAGATAATTCGTGTGTTACAACTCACCTCTTGGGATGAAGATGCCTGGGCCAGCAAG[G>A]TACGTGTTCTTAGTGGAGAAATAAGCAAAATCCCCAACTCTCCCTGGCTGGGGGTTTTGA-3'

ClinVar aggregate classification (germline): Uncertain significance (1 of 4 stars; one submission).

Conditions:
Dilated cardiomyopathy 1W (CMD1W). Identifiers: Orphanet 154, MedGen C1969639, MONDO:0012667, OMIM 611407.

Submission:

Labcorp Genetics (formerly Invitae), Labcorp
Classification: Uncertain significance for Dilated cardiomyopathy 1W. Last evaluated: 2019-05-24. Review status: criteria provided, single submitter. Criteria: Invitae Variant Classification Sherloc (09022015). Collection method: clinical testing. Allele origin: germline.
Comment: This sequence change affects a donor splice site in intron 6 of the VCL gene. It is expected to disrupt RNA splicing and likely results in an absent or disrupted protein product. This variant is not present in population databases (ExAC no frequency). This variant has not been reported in the literature in individuals with VCL-related conditions. Algorithms developed to predict the effect of sequence changes on RNA splicing suggest that this variant may disrupt the consensus splice site, but this prediction has not been confirmed by published transcriptional studies. The current clinical and genetic evidence is not sufficient to establish whether loss-of-function variants in VCL cause disease. In summary, the available evidence is currently insufficient to determine the role of this variant in disease. Therefore, it has been classified as a Variant of Uncertain Significance.